The following is an entry in ClinVar:

ClinVar aggregate classification (germline): Likely pathogenic (1 of 4 stars; one submission).

Submission:

GeneDx
Classification: Likely pathogenic. Last evaluated: 2026-04-07. Review status: criteria provided, single submitter. Criteria: GeneDx Variant Classification Process June 2021. Collection method: clinical testing. Allele origin: germline.
Comment: Nonsense variant predicted to result in protein truncation or nonsense mediated decay in a gene for which loss of function is a known mechanism of disease; Not observed at significant frequency in large population cohorts (gnomAD); Has not been previously published as pathogenic or benign to our knowledge

NM_004415.4(DSP):c.4522C>T (p.Gln1508Ter)

Gene: DSP (desmoplakin; plus strand). Cytogenetic location: 6p24.3.
Variant type: single nucleotide variant.
Coding change: c.4522C>T on transcript NM_004415.4 (MANE Select); coding-DNA position 4522, C replaced by T.
Protein change: p.Gln1508Ter; replaces glutamine 1508 with a stop codon.
Molecular consequence: nonsense. On other transcripts: intron variant (2).
Genome position (GRCh38, 1-based): chr6:7,580,712, C>T. VCF-style: chr6-7580712-C-T. GRCh37 (hg19) VCF-style: chr6-7580945-C-T.
Other names: c.4050+472C>T (NM_001319034.2); c.3582+940C>T (NM_001008844.3); short protein forms Q1508*.
Identifiers: ClinVar variation 3369179 (VCV003369179.2).